The following is an entry in ClinVar:

ClinVar aggregate classification (germline): Uncertain significance. Review status: criteria provided, multiple submitters, no conflicts (2 of 4 stars). 2 submissions from 2 submitters: Uncertain significance (2). Last evaluated 2025-02-06.

Conditions:
Long QT syndrome (LQTS). Identifiers: MedGen C0023976, MeSH D008133, MONDO:0002442. Disease mechanism: loss of function. Inheritance: Various modes of inheritance.

Allele frequency attached by ClinVar (database versions not stated): ExAC 0.00001.
gnomAD v4.1: 3 of 1,614,066 alleles (0.00019%); highest among the groups gnomAD compares: Admixed American, 0.0033%; 1 homozygote.

Submissions (2):

Labcorp Genetics (formerly Invitae), Labcorp
Classification: Uncertain significance for Long QT syndrome. Last evaluated: 2025-02-06. Review status: criteria provided, single submitter. Criteria: Invitae Variant Classification Sherloc (09022015). Collection method: clinical testing. Allele origin: germline.
Comment: This sequence change replaces aspartic acid, which is acidic and polar, with glutamic acid, which is acidic and polar, at codon 346 of the KCNH2 protein (p.Asp346Glu). This variant is present in population databases (rs758083853, gnomAD 0.006%). This variant has not been reported in the literature in individuals affected with KCNH2-related conditions. ClinVar contains an entry for this variant (Variation ID: 3070998). An algorithm developed to predict the effect of missense changes on protein structure and function outputs the following: PolyPhen-2: "Benign". The glutamic acid amino acid residue is found in multiple mammalian species, which suggests that this missense change does not adversely affect protein function. In summary, the available evidence is currently insufficient to determine the role of this variant in disease. Therefore, it has been classified as a Variant of Uncertain Significance.

All of Us Research Program, National Institutes of Health
Classification: Uncertain significance for Long QT syndrome. Last evaluated: 2023-05-16. Review status: criteria provided, single submitter. Criteria: ACMG Guidelines, 2015. Collection method: clinical testing. Allele origin: germline. Inheritance: Autosomal dominant inheritance. Observed: 1 variant allele, 1 heterozygote.
Comment: This missense variant replaces aspartic acid with glutamic acid at codon 346 of the KCNH2 protein. Computational prediction suggests that this variant may not impact protein structure and function (internally defined REVEL score threshold <= 0.5, PMID: 27666373). To our knowledge, functional studies have not been reported for this variant. This variant has not been reported in individuals affected with KCNH2-related disorders in the literature. This variant has been identified in 3/250254 chromosomes in the general population by the Genome Aggregation Database (gnomAD). The available evidence is insufficient to determine the role of this variant in disease conclusively. Therefore, this variant is classified as a Variant of Uncertain Significance.

This study involves interpretation of variants in research participants for the purpose of population health screening. Participant phenotype was not available at the time of variant classification. Additional details can be found in publication PMID: 35346344, PMCID: PMC8962531

NM_000238.4(KCNH2):c.1038C>G (p.Asp346Glu)

Gene: KCNH2 (potassium voltage-gated channel subfamily H member 2; minus strand). Cytogenetic location: 7q36.1.
Variant type: single nucleotide variant.
Coding change: c.1038C>G on transcript NM_000238.4 (MANE Select); coding-DNA position 1038, C replaced by G.
Protein change: p.Asp346Glu; replaces aspartic acid 346 with glutamic acid.
Molecular consequence: missense variant. On other transcripts: non-coding transcript variant (1).
Genome position (GRCh38, 1-based): chr7:150,957,381, G>C on the plus strand (C>G on the coding strand, the complement: KCNH2 is on the minus strand). VCF-style: chr7-150957381-G-C. GRCh37 (hg19) VCF-style: chr7-150654469-G-C.
Other names: c.750C>G, p.Asp250Glu (NM_001406753.1, NM_001406756.1); c.861C>G, p.Asp287Glu (NM_001406755.1); c.738C>G, p.Asp246Glu (NM_001406757.1); c.1038C>G, p.Asp346Glu (NM_172056.3); short protein forms D246E, D250E, D287E, D346E.
Identifiers: ClinVar variation 3070998 (VCV003070998.3), dbSNP rs758083853, ClinGen allele CA026698.